The following is an entry in ClinVar:

ClinVar aggregate classification (germline): Uncertain significance (1 of 4 stars; one submission).

Conditions:
Congenital myasthenic syndrome 2A. Also called: Myasthenic syndrome, congenital, 2a, slow-channel. Identifiers: Orphanet 590, MedGen C4225374, MONDO:0014581, OMIM 616313.

Allele frequency attached by ClinVar (database versions not stated): TOPMed below 0.00001; gnomAD 0.00001.
gnomAD v4.1: 4 of 1,613,984 alleles (0.00025%); highest among the groups gnomAD compares: East Asian, 0.0022%; no homozygotes.

Submission:

Labcorp Genetics (formerly Invitae), Labcorp
Classification: Uncertain significance for Congenital myasthenic syndrome 2A. Last evaluated: 2026-01-18. Review status: criteria provided, single submitter. Criteria: Invitae Variant Classification Sherloc (09022015). Collection method: clinical testing. Allele origin: germline.
Comment: This sequence change replaces valine, which is neutral and non-polar, with phenylalanine, which is neutral and non-polar, at codon 481 of the CHRNB1 protein (p.Val481Phe). This variant is not present in population databases (gnomAD no frequency). This variant has not been reported in the literature in individuals affected with CHRNB1-related conditions. ClinVar contains an entry for this variant (Variation ID: 945710). Invitae Evidence Modeling of protein sequence and biophysical properties (such as structural, functional, and spatial information, amino acid conservation, physicochemical variation, residue mobility, and thermodynamic stability) indicates that this missense variant is not expected to disrupt CHRNB1 protein function with a negative predictive value of 80%. In summary, the available evidence is currently insufficient to determine the role of this variant in disease. Therefore, it has been classified as a Variant of Uncertain Significance.

NM_000747.3(CHRNB1):c.1441G>T (p.Val481Phe)

Gene: CHRNB1 (cholinergic receptor nicotinic beta 1 subunit; plus strand). Cytogenetic location: 17p13.1.
Variant type: single nucleotide variant.
Coding change: c.1441G>T on transcript NM_000747.3 (MANE Select); coding-DNA position 1441, G replaced by T.
Protein change: p.Val481Phe; replaces valine 481 with phenylalanine.
Molecular consequence: missense variant.
Genome position (GRCh38, 1-based): chr17:7,456,658, G>T. VCF-style: chr17-7456658-G-T. GRCh37 (hg19) VCF-style: chr17-7359977-G-T.
Other names: short protein forms V481F.
Identifiers: ClinVar variation 945710 (VCV000945710.9), dbSNP rs1205517699, ClinGen allele CA397803223.
Genomic context (GRCh38, chr17:7,456,658, plus strand): 5'-CAGTTTGTGGCCATGGTAGTGGACCGCCTCTTCCTGTGGACTTTCATCATCTTCACCAGC[G>T]TTGGGACCCTAGTCATCTTCCTGGACGCCACGTACCACTTGCCCCCTCCAGACCCCTTTC-3'
Protein context (NP_000738.2, residues 471-491): FLWTFIIFTS[Val481Phe]GTLVIFLDAT